The following is an entry in ClinVar:

NM_024675.4(PALB2):c.1314A>C (p.Lys438Asn)

Gene: PALB2 (partner and localizer of BRCA2; minus strand). Cytogenetic location: 16p12.2.
Variant type: single nucleotide variant.
Coding change: c.1314A>C on transcript NM_024675.4 (MANE Select); coding-DNA position 1314, A replaced by C.
Protein change: p.Lys438Asn; replaces lysine 438 with asparagine.
Molecular consequence: missense variant.
Genome position (GRCh38, 1-based): chr16:23,635,232, T>G on the plus strand (A>C on the coding strand, the complement: PALB2 is on the minus strand). VCF-style: chr16-23635232-T-G. GRCh37 (hg19) VCF-style: chr16-23646553-T-G.
Other names: c.1254A>C, p.Lys418Asn (NM_001407296.1); c.1314A>C, p.Lys438Asn (NM_001407297.1, NM_001407298.1, NM_001407299.1 and 3 more transcripts); c.429A>C, p.Lys143Asn (NM_001407304.1, NM_001407305.1, NM_001407306.1 and 5 more transcripts); short protein forms K143N, K438N, K418N.
Identifiers: ClinVar variation 2008179 (VCV002008179.4), dbSNP rs2142419604, ClinGen allele CA395132377.

ClinVar aggregate classification (germline): Uncertain significance (1 of 4 stars; one submission).

Conditions:
Familial cancer of breast. Also called: hereditary breast carcinoma; BREAST CANCER, FAMILIAL; Hereditary breast cancer. Identifiers: Orphanet 227535, MedGen C0346153, MONDO:0016419, OMIM 114480. Disease mechanism: loss of function.

Submission:

Labcorp Genetics (formerly Invitae), Labcorp
Classification: Uncertain significance for Familial cancer of breast. Last evaluated: 2022-06-18. Review status: criteria provided, single submitter. Criteria: Invitae Variant Classification Sherloc (09022015). Collection method: clinical testing. Allele origin: germline.
Comment: In summary, the available evidence is currently insufficient to determine the role of this variant in disease. Therefore, it has been classified as a Variant of Uncertain Significance. Algorithms developed to predict the effect of missense changes on protein structure and function are either unavailable or do not agree on the potential impact of this missense change (SIFT: "Tolerated"; PolyPhen-2: "Probably Damaging"; Align-GVGD: "Class C0"). This variant has not been reported in the literature in individuals affected with PALB2-related conditions. This variant is not present in population databases (gnomAD no frequency). This sequence change replaces lysine, which is basic and polar, with asparagine, which is neutral and polar, at codon 438 of the PALB2 protein (p.Lys438Asn).